The following is an entry in ClinVar:

NM_005505.5(SCARB1):c.523A>G (p.Thr175Ala)

Gene: SCARB1 (scavenger receptor class B member 1; minus strand). Cytogenetic location: 12q24.31.
Variant type: single nucleotide variant.
Coding change: c.523A>G on transcript NM_005505.5 (MANE Select); coding-DNA position 523, A replaced by G.
Protein change: p.Thr175Ala; replaces threonine 175 with alanine.
Molecular consequence: missense variant. On other transcripts: non-coding transcript variant (9).
Genome position (GRCh38, 1-based): chr12:124,814,309, T>C on the plus strand (A>G on the coding strand, the complement: SCARB1 is on the minus strand). VCF-style: chr12-124814309-T-C. GRCh37 (hg19) VCF-style: chr12-125298855-T-C.
Other names: c.523A>G, p.Thr175Ala (NM_001082959.2, NM_001367981.1, NM_001367983.1 and 6 more transcripts); c.400A>G, p.Thr134Ala (NM_001367982.1); short protein forms T175A, T134A.
Identifiers: ClinVar variation 39738 (VCV000039738.5), dbSNP rs187831231, ClinGen allele CA130500.
Genomic context (GRCh38, chr12:124,814,309, plus strand): 5'-AGTACTTGTTGATGAGATTCACAAGGGGGTCCTTGTAGCCCCACATGATCTCACCCACAG[T>C]GCGGTTCATGAAGGCACGTTCGCCGAGGGTGGTGAATGCCAAGGTCATGATGAGCTTCAG-3'
Protein context (NP_005496.4, residues 165-185): TLGERAFMNR[Thr175Ala]VGEIMWGYKD

ClinVar aggregate classification (germline): Uncertain significance. Review status: criteria provided, single submitter (1 of 4 stars). 2 submissions from 2 submitters: Uncertain significance (1). 1 of the submissions does not count toward it. Last evaluated 2026-01-04.

Conditions:
HIGH DENSITY LIPOPROTEIN CHOLESTEROL LEVEL QUANTITATIVE TRAIT LOCUS 6 (HDLCQ6). Identifiers: MedGen C1853096, OMIM 610762.

Allele frequency attached by ClinVar (database versions not stated): gnomAD exomes 0.00011 and 0.00021; TOPMed 0.00016; ExAC 0.00008; 1000 Genomes Project 30x 0.00016; gnomAD 0.00019 and 0.00020; 1000 Genomes Project 0.00020.
gnomAD v4.1: 343 of 1,614,186 alleles (0.021%); highest among the groups gnomAD compares: Non-Finnish European, 0.027%; no homozygotes.

Submissions (2):

Labcorp Genetics (formerly Invitae), Labcorp
Classification: Uncertain significance. Last evaluated: 2026-01-04. Review status: criteria provided, single submitter. Criteria: Invitae Variant Classification Sherloc (09022015). Collection method: clinical testing. Allele origin: germline.
Comment: This sequence change replaces threonine, which is neutral and polar, with alanine, which is neutral and non-polar, at codon 175 of the SCARB1 protein (p.Thr175Ala). This variant is present in population databases (rs187831231, gnomAD 0.02%). This missense change has been observed in individual(s) with high HDL cholesterol levels (PMID: 21480869, 23403740). ClinVar contains an entry for this variant (Variation ID: 39738). Invitae Evidence Modeling of protein sequence and biophysical properties (such as structural, functional, and spatial information, amino acid conservation, physicochemical variation, residue mobility, and thermodynamic stability) indicates that this missense variant is expected to disrupt SCARB1 protein function with a positive predictive value of 80%. Experimental studies have shown that this missense change affects SCARB1 function (PMID: 23029167, 27152966, 28363797, 33862056, 34372540). In summary, the available evidence is currently insufficient to determine the role of this variant in disease. Therefore, it has been classified as a Variant of Uncertain Significance.

OMIM
Classification: association for HIGH DENSITY LIPOPROTEIN CHOLESTEROL LEVEL QUANTITATIVE TRAIT LOCUS 6. Last evaluated: 2011-06-01. Review status: no assertion criteria provided. Collection method: literature only. Allele origin: germline. Not counted in ClinVar's aggregate classification.

Literature cited by the submitters: PubMed 21480869 (cited by Labcorp Genetics (formerly Invitae), Labcorp and OMIM); PubMed 23403740 (cited by Labcorp Genetics (formerly Invitae), Labcorp); PubMed 23029167 (cited by Labcorp Genetics (formerly Invitae), Labcorp); PubMed 27152966 (cited by Labcorp Genetics (formerly Invitae), Labcorp); PubMed 28363797 (cited by Labcorp Genetics (formerly Invitae), Labcorp); PubMed 33862056 (cited by Labcorp Genetics (formerly Invitae), Labcorp); PubMed 34372540 (cited by Labcorp Genetics (formerly Invitae), Labcorp).